The following is an entry in ClinVar:

ClinVar aggregate classification (germline): Uncertain significance. Review status: criteria provided, multiple submitters, no conflicts (2 of 4 stars). 2 submissions from 2 submitters: Uncertain significance (2). Last evaluated 2025-03-22.

Conditions:
Inborn genetic diseases. Identifiers: MedGen C0950123, MeSH D030342.

Allele frequency attached by ClinVar (database versions not stated): TOPMed below 0.00001; gnomAD 0.00001; gnomAD exomes 0.00001.
gnomAD v4.1: 5 of 1,613,876 alleles (0.00031%); highest among the groups gnomAD compares: Non-Finnish European, 0.00034%; no homozygotes.

Submissions (2):

Ambry Genetics
Classification: Uncertain significance for Inborn genetic diseases. Last evaluated: 2025-03-22. Review status: criteria provided, single submitter. Criteria: Ambry Variant Classification Scheme 2023. Collection method: clinical testing. Allele origin: germline.

Labcorp Genetics (formerly Invitae), Labcorp
Classification: Uncertain significance. Last evaluated: 2024-11-05. Review status: criteria provided, single submitter. Criteria: Invitae Variant Classification Sherloc (09022015). Collection method: clinical testing. Allele origin: germline.
Comment: This sequence change replaces threonine, which is neutral and polar, with alanine, which is neutral and non-polar, at codon 936 of the ATP8A2 protein (p.Thr936Ala). This variant is present in population databases (no rsID available, gnomAD 0.003%). This variant has not been reported in the literature in individuals affected with ATP8A2-related conditions. ClinVar contains an entry for this variant (Variation ID: 1903096). Invitae Evidence Modeling of protein sequence and biophysical properties (such as structural, functional, and spatial information, amino acid conservation, physicochemical variation, residue mobility, and thermodynamic stability) indicates that this missense variant is not expected to disrupt ATP8A2 protein function with a negative predictive value of 80%. In summary, the available evidence is currently insufficient to determine the role of this variant in disease. Therefore, it has been classified as a Variant of Uncertain Significance.

NM_016529.6(ATP8A2):c.2806A>G (p.Thr936Ala)

Gene: ATP8A2 (ATPase phospholipid transporting 8A2). Cytogenetic location: 13q12.13.
Variant type: single nucleotide variant.
Coding change: c.2806A>G on transcript NM_016529.6 (MANE Select); coding-DNA position 2806, A replaced by G.
Protein change: p.Thr936Ala; replaces threonine 936 with alanine.
Molecular consequence: missense variant.
Genome position (GRCh38, 1-based): chr13:25,837,214, A>G. VCF-style: chr13-25837214-A-G. GRCh37 (hg19) VCF-style: chr13-26411352-A-G.
Other names: c.2611A>G, p.Thr871Ala (NM_001313741.1); c.2731A>G, p.Thr911Ala (NM_001411005.1); c.2806A>G, p.Thr936Ala (NM_001411006.1); c.2806A>G (NM_016529.4); short protein forms T911A, T936A, T871A.
Identifiers: ClinVar variation 1903096 (VCV001903096.6), dbSNP rs1163479723, ClinGen allele CA387682852.
Genomic context (GRCh38, chr13:25,837,214, plus strand): 5'-TCCCTGCAGATTTTCACCGCTTTGCCGCCCTTCACTCTGGGAATCTTTGAGAGGTCTTGC[A>G]CTCAGGAGAGCATGCTCAGGTTTCCCCAGCTCTACAAAATCACCCAGAATGGCGAAGGCT-3'
Protein context (NP_057613.4, residues 926-946): FTLGIFERSC[Thr936Ala]QESMLRFPQL